The following is an entry in ClinVar:

NM_001032386.2(SUOX):c.95C>T (p.Thr32Ile)

Gene: SUOX (sulfite oxidase; plus strand). Cytogenetic location: 12q13.2.
Variant type: single nucleotide variant.
Coding change: c.95C>T on transcript NM_001032386.2 (MANE Select); coding-DNA position 95, C replaced by T.
Protein change: p.Thr32Ile; replaces threonine 32 with isoleucine.
Molecular consequence: missense variant.
Genome position (GRCh38, 1-based): chr12:56,002,587, C>T. VCF-style: chr12-56002587-C-T. GRCh37 (hg19) VCF-style: chr12-56396371-C-T.
Other names: c.95C>T, p.Thr32Ile (NM_000456.3, NM_001032387.2); short protein forms T32I.
Identifiers: ClinVar variation 1464769 (VCV001464769.7), dbSNP rs2136509646, ClinGen allele CA385279272.

ClinVar aggregate classification (germline): Uncertain significance (1 of 4 stars; one submission).

Conditions:
Sulfite oxidase deficiency. Also called: Isolated sulfite oxidase deficiency. Identifiers: Orphanet 833, Orphanet 99731, MedGen C0268624, MONDO:0010089, OMIM 272300, HP:0003643.

Submission:

Labcorp Genetics (formerly Invitae), Labcorp
Classification: Uncertain significance for Sulfite oxidase deficiency. Last evaluated: 2022-07-06. Review status: criteria provided, single submitter. Criteria: Invitae Variant Classification Sherloc (09022015). Collection method: clinical testing. Allele origin: germline.
Comment: In summary, the available evidence is currently insufficient to determine the role of this variant in disease. Therefore, it has been classified as a Variant of Uncertain Significance. Algorithms developed to predict the effect of missense changes on protein structure and function are either unavailable or do not agree on the potential impact of this missense change (SIFT: "Deleterious"; PolyPhen-2: "Benign"; Align-GVGD: "Class C0"). ClinVar contains an entry for this variant (Variation ID: 1464769). This variant has not been reported in the literature in individuals affected with SUOX-related conditions. This variant is not present in population databases (gnomAD no frequency). This sequence change replaces threonine, which is neutral and polar, with isoleucine, which is neutral and non-polar, at codon 32 of the SUOX protein (p.Thr32Ile).